The following is an entry in ClinVar:

ClinVar aggregate classification (germline): Likely benign (1 of 4 stars; one submission).

Allele frequency attached by ClinVar (database versions not stated): gnomAD exomes 0.00038; ExAC 0.00083; ESP Exome Variant Server 0.00338; 1000 Genomes Project 0.00339; 1000 Genomes Project 30x 0.00390.
gnomAD v4.1: 934 of 1,614,104 alleles (0.058%); highest among the groups gnomAD compares: African/African-American, 0.85%; 3 homozygotes.

Submission:

CeGaT Center for Human Genetics Tuebingen
Classification: Likely benign. Last evaluated: 2022-12-01. Review status: criteria provided, single submitter. Criteria: CeGaT Center For Human Genetics Tuebingen Variant Classification Criteria Version 2. Collection method: clinical testing. Allele origin: germline. Affected: yes. Observed: 1 variant allele.
Comment: ZNF160: BP4, BP7

NM_001322131.2(ZNF160):c.645C>T (p.Ser215=)

Gene: ZNF160 (zinc finger protein 160; minus strand). Cytogenetic location: 19q13.41.
Variant type: single nucleotide variant.
Coding change: c.645C>T on transcript NM_001322131.2 (MANE Select); coding-DNA position 645, C replaced by T.
Protein change: p.Ser215=; no amino-acid change (serine 215 retained).
Molecular consequence: synonymous variant.
Genome position (GRCh38, 1-based): chr19:53,069,889, G>A on the plus strand (C>T on the coding strand, the complement: ZNF160 is on the minus strand). VCF-style: chr19-53069889-G-A. GRCh37 (hg19) VCF-style: chr19-53573142-G-A.
Other names: c.645C>T, p.Ser215= (NM_001102603.2, NM_001322128.2, NM_001322129.2 and 8 more transcripts); c.537C>T, p.Ser179= (NM_001322137.2, NM_001322138.2, NM_001322139.2).
Identifiers: ClinVar variation 2650405 (VCV002650405.24), dbSNP rs61745786, ClinGen allele CA9630466.